The following is an entry in ClinVar:

NM_001384479.1(AGT):c.1315A>G (p.Lys439Glu)

Gene: AGT (angiotensinogen; minus strand). Cytogenetic location: 1q42.2.
Variant type: single nucleotide variant.
Coding change: c.1315A>G on transcript NM_001384479.1 (MANE Select); coding-DNA position 1315, A replaced by G.
Protein change: p.Lys439Glu; replaces lysine 439 with glutamic acid.
Molecular consequence: missense variant.
Genome position (GRCh38, 1-based): chr1:230,703,257, T>C on the plus strand (A>G on the coding strand, the complement: AGT is on the minus strand). VCF-style: chr1-230703257-T-C. GRCh37 (hg19) VCF-style: chr1-230839003-T-C.
Other names: c.1315A>G, p.Lys439Glu (NM_001382817.3); short protein forms K439E.
Identifiers: ClinVar variation 1387900 (VCV001387900.6), dbSNP rs1000819860, ClinGen allele CA38865628.
Genomic context (GRCh38, chr1:230,703,257, plus strand): 5'-TTTGATCATACACAGCAAACAGGAATGGGCGGTTCAGGGTCACCTCCAAGACCTCAGGCT[T>C]GTTAAGCTGTTGGGTAGACTCTGTGGGCTCTCTCTCATCCGCTTCAAGCTCAAAAAAAAT-3'
Protein context (NP_001371408.1, residues 429-449): EPTESTQQLN[Lys439Glu]PEVLEVTLNR

ClinVar aggregate classification (germline): Uncertain significance (1 of 4 stars; one submission).

gnomAD v4.1: 1 of 1,614,146 alleles (0.000062%); no homozygotes.

Submission:

Labcorp Genetics (formerly Invitae), Labcorp
Classification: Uncertain significance. Last evaluated: 2025-04-08. Review status: criteria provided, single submitter. Criteria: Invitae Variant Classification Sherloc (09022015). Collection method: clinical testing. Allele origin: germline.
Comment: This sequence change replaces lysine, which is basic and polar, with glutamic acid, which is acidic and polar, at codon 448 of the AGT protein (p.Lys448Glu). This variant is not present in population databases (gnomAD no frequency). This variant has not been reported in the literature in individuals affected with AGT-related conditions. ClinVar contains an entry for this variant (Variation ID: 1387900). Invitae Evidence Modeling of protein sequence and biophysical properties (such as structural, functional, and spatial information, amino acid conservation, physicochemical variation, residue mobility, and thermodynamic stability) indicates that this missense variant is not expected to disrupt AGT protein function with a negative predictive value of 80%. In summary, the available evidence is currently insufficient to determine the role of this variant in disease. Therefore, it has been classified as a Variant of Uncertain Significance.